The following is an entry in ClinVar:

NM_024301.5(FKRP):c.854A>C (p.Glu285Ala)

Gene: FKRP (fukutin related protein; plus strand). Cytogenetic location: 19q13.32.
Variant type: single nucleotide variant.
Coding change: c.854A>C on transcript NM_024301.5 (MANE Select); coding-DNA position 854, A replaced by C.
Protein change: p.Glu285Ala; replaces glutamic acid 285 with alanine.
Molecular consequence: missense variant.
Genome position (GRCh38, 1-based): chr19:46,756,304, A>C. VCF-style: chr19-46756304-A-C. GRCh37 (hg19) VCF-style: chr19-47259561-A-C.
Other names: c.854A>C, p.Glu285Ala (NM_001039885.3); short protein forms E285A.
Identifiers: ClinVar variation 1199351 (VCV001199351.12), dbSNP rs963039919, ClinGen allele CA309099522.
Genomic context (GRCh38, chr19:46,756,304, plus strand): 5'-GGGCGGCGCTGCTCCGCGCGCTGGGCATCCGCCTAGTGAGCTGGGAAGGCGGGCGGCTGG[A>C]GTGGTTCGGCTGCAACAAGGAGACCACGCGCTGCTTCGGAACCGTGGTGGGCGACACGCC-3'
Protein context (NP_077277.1, residues 275-295): RLVSWEGGRL[Glu285Ala]WFGCNKETTR

ClinVar aggregate classification (germline): Conflicting classifications of pathogenicity. Review status: criteria provided, conflicting classifications (1 of 4 stars). 8 submissions from 5 submitters: Likely pathogenic (3); Uncertain significance (5). Last evaluated 2025-07-07.

Conditions:
Muscular dystrophy-dystroglycanopathy type B5 (MDDGB5). Also called: MUSCULAR DYSTROPHY, CONGENITAL, 1C; MUSCULAR DYSTROPHY, CONGENITAL, FKRP-RELATED; MUSCULAR DYSTROPHY-DYSTROGLYCANOPATHY (CONGENITAL WITH OR WITHOUT IMPAIRED INTELLECTUAL DEVELOPMENT), TYPE B, 5. Identifiers: MedGen C1847759, MONDO:0011688, OMIM 606612.
Muscular dystrophy-dystroglycanopathy (congenital with brain and eye anomalies), type A5. Also called: MUSCULAR DYSTROPHY-DYSTROGLYCANOPATHY (CONGENITAL WITH BRAIN AND EYE ANOMALIES), TYPE A, 5; WALKER-WARBURG SYNDROME OR MUSCLE-EYE-BRAIN DISEASE, FKRP-RELATED. Identifiers: Orphanet 588, Orphanet 899, MedGen C3150413, MONDO:0013157, OMIM 613153.
Autosomal recessive limb-girdle muscular dystrophy type 2I. Also called: MUSCULAR DYSTROPHY, LIMB-GIRDLE, TYPE 2I; MUSCULAR DYSTROPHY-DYSTROGLYCANOPATHY (LIMB-GIRDLE), TYPE C, 5; MUSCULAR DYSTROPHY-DYSTROGLYCANOPATHY, LIMB-GIRDLE, FRKP-RELATED. Identifiers: Orphanet 34515, MedGen C1846672, MONDO:0011787, OMIM 607155.
Walker-Warburg congenital muscular dystrophy. Also called: Muscular dystrophy-dystroglycanopathy, type A; Walker-Warburg syndrome. Identifiers: Orphanet 899, MedGen C0265221, MONDO:0000171.

Allele frequency attached by ClinVar (database versions not stated): gnomAD 0.00001; gnomAD exomes 0.00001; TOPMed 0.00001.

Submissions (8):

Natera, Inc.
Classification: Likely pathogenic for Limb-girdle muscular dystrophy type 2I. Last evaluated: 2025-07-07. Review status: criteria provided, single submitter. Criteria: Natera Variant Classification Schema (03/2026). Collection method: clinical testing. Allele origin: germline.
Comment: The c.854A>C variant in FKRP is a missense variant predicted to cause substitution of glutamic acid to alanine at amino acid 285. This variant is rare in the general population with a frequency below the threshold expected for the associated phenotype(s). This variant has been observed in one or more individuals affected with the associated recessive disease, as either homozygous or compound heterozygous with a second variant (PMID: 35239206, 30919934). Given the available evidence, this variant is classified as Likely Pathogenic.

Baylor Genetics
Classification: Likely pathogenic for Muscular dystrophy-dystroglycanopathy (congenital with brain and eye anomalies), type A5. Last evaluated: 2023-11-27. Review status: criteria provided, single submitter. Criteria: ACMG Guidelines, 2015. Collection method: clinical testing. Allele origin: unknown.

Labcorp Genetics (formerly Invitae), Labcorp
Classification: Uncertain significance for Walker-Warburg congenital muscular dystrophy. Last evaluated: 2022-07-27. Review status: criteria provided, single submitter. Criteria: Invitae Variant Classification Sherloc (09022015). Collection method: clinical testing. Allele origin: germline.
Comment: This sequence change replaces glutamic acid, which is acidic and polar, with alanine, which is neutral and non-polar, at codon 285 of the FKRP protein (p.Glu285Ala). This variant is present in population databases (no rsID available, gnomAD 0.002%). This missense change has been observed in individual(s) with FKRP-related conditions (PMID: 30919934). ClinVar contains an entry for this variant (Variation ID: 1199351). Algorithms developed to predict the effect of missense changes on protein structure and function (SIFT, PolyPhen-2, Align-GVGD) all suggest that this variant is likely to be tolerated. In summary, the available evidence is currently insufficient to determine the role of this variant in disease. Therefore, it has been classified as a Variant of Uncertain Significance.

Kariminejad - Najmabadi Pathology & Genetics Center
Classification: Likely pathogenic for Muscular dystrophy-dystroglycanopathy (congenital with brain and eye anomalies), type A5; Muscular dystrophy-dystroglycanopathy type B5; Autosomal recessive limb-girdle muscular dystrophy type 2I. Last evaluated: 2022-06-28. Review status: criteria provided, single submitter. Criteria: ACMG Guidelines, 2015. Collection method: clinical testing. Allele origin: germline. Inheritance: Autosomal recessive inheritance. Affected: yes.
Comment: PM2, PP2, PP3, PS4

Genome-Nilou Lab
Classification: Uncertain significance for Muscular dystrophy-dystroglycanopathy (congenital with brain and eye anomalies), type A5. Last evaluated: 2021-07-14. Review status: criteria provided, single submitter. Criteria: ACMG Guidelines, 2015. Collection method: clinical testing. Allele origin: germline. Affected: no.

Genome-Nilou Lab
Classification: Uncertain significance for Muscular dystrophy-dystroglycanopathy type B5. Last evaluated: 2021-07-14. Review status: criteria provided, single submitter. Criteria: ACMG Guidelines, 2015. Collection method: clinical testing. Allele origin: germline. Affected: no.

Genome-Nilou Lab
Classification: Uncertain significance for Autosomal recessive limb-girdle muscular dystrophy type 2I. Last evaluated: 2021-07-14. Review status: criteria provided, single submitter. Criteria: ACMG Guidelines, 2015. Collection method: clinical testing. Allele origin: germline. Affected: no.

Kariminejad - Najmabadi Pathology & Genetics Center
Classification: Uncertain significance for Autosomal recessive limb-girdle muscular dystrophy type 2I. Last evaluated: 2018-11-12. Review status: criteria provided, single submitter. Criteria: ACMG Guidelines, 2015. Collection method: clinical testing. Allele origin: germline. Inheritance: Autosomal recessive inheritance. Affected: yes.
Comment: PM2, PM3, PP2

Literature cited by the submitters: PubMed 35239206 (cited by Natera, Inc.); PubMed 30919934 (cited by Natera, Inc. and Labcorp Genetics (formerly Invitae), Labcorp).